The following is an entry in ClinVar:

ClinVar aggregate classification (germline): Uncertain significance. Review status: criteria provided, multiple submitters, no conflicts (2 of 4 stars). 2 submissions from 2 submitters: Uncertain significance (2). Last evaluated 2024-02-27.

Conditions:
Hennekam lymphangiectasia-lymphedema syndrome 2 (HKLLS2). Identifiers: Orphanet 2136, MedGen C4014939, MONDO:0014454, OMIM 616006.
Van Maldergem syndrome 2 (VMLDS2). Identifiers: Orphanet 314679, MedGen C3809875, MONDO:0014242, OMIM 615546.

Allele frequency attached by ClinVar (database versions not stated): gnomAD exomes below 0.00001; gnomAD 0.00001; TOPMed 0.00001.

Submissions (2):

Fulgent Genetics
Classification: Uncertain significance for Van Maldergem syndrome 2; Hennekam lymphangiectasia-lymphedema syndrome 2. Last evaluated: 2024-02-27. Review status: criteria provided, single submitter. Criteria: ACMG Guidelines, 2015. Collection method: clinical testing. Allele origin: germline.

Labcorp Genetics (formerly Invitae), Labcorp
Classification: Uncertain significance. Last evaluated: 2021-01-29. Review status: criteria provided, single submitter. Criteria: Invitae Variant Classification Sherloc (09022015). Collection method: clinical testing. Allele origin: germline.
Comment: This sequence change replaces glutamine with arginine at codon 3772 of the FAT4 protein (p.Gln3772Arg). The glutamine residue is highly conserved and there is a small physicochemical difference between glutamine and arginine. This variant is not present in population databases (ExAC no frequency). This variant has not been reported in the literature in individuals with FAT4-related conditions. Advanced modeling of protein sequence and biophysical properties (such as structural, functional, and spatial information, amino acid conservation, physicochemical variation, residue mobility, and thermodynamic stability) performed at Invitae indicates that this missense variant is not expected to disrupt FAT4 protein function. Algorithms developed to predict the effect of sequence changes on RNA splicing suggest that this variant may create or strengthen a splice site, but this prediction has not been confirmed by published transcriptional studies. In summary, the available evidence is currently insufficient to determine the role of this variant in disease. Therefore, it has been classified as a Variant of Uncertain Significance.

NM_001291303.3(FAT4):c.11321A>G (p.Gln3774Arg)

Gene: FAT4 (FAT atypical cadherin 4; plus strand). Cytogenetic location: 4q28.1.
Variant type: single nucleotide variant.
Coding change: c.11321A>G on transcript NM_001291303.3 (MANE Select); coding-DNA position 11321, A replaced by G.
Protein change: p.Gln3774Arg; replaces glutamine 3774 with arginine.
Molecular consequence: missense variant.
Genome position (GRCh38, 1-based): chr4:125,452,331, A>G. VCF-style: chr4-125452331-A-G. GRCh37 (hg19) VCF-style: chr4-126373486-A-G.
Other names: c.11321A>G, p.Gln3774Arg (NM_001291285.3); c.11315A>G, p.Gln3772Arg (NM_024582.6); c.11315A>G (NM_024582.5); short protein forms Q3772R, Q3774R.
Identifiers: ClinVar variation 1367630 (VCV001367630.9), dbSNP rs1387872729, ClinGen allele CA358162229.